The following is an entry in ClinVar:

ClinVar aggregate classification (germline): Uncertain significance (1 of 4 stars; one submission).

Allele frequency attached by ClinVar (database versions not stated): gnomAD exomes 0.00001 and 0.00002; TOPMed 0.00002; ExAC 0.00003; gnomAD 0.00005; ESP Exome Variant Server 0.00009.
gnomAD v4.1: 14 of 1,612,498 alleles (0.00087%); highest among the groups gnomAD compares: African/African-American, 0.019%; no homozygotes.

Submission:

Labcorp Genetics (formerly Invitae), Labcorp
Classification: Uncertain significance. Last evaluated: 2022-08-16. Review status: criteria provided, single submitter. Criteria: Invitae Variant Classification Sherloc (09022015). Collection method: clinical testing. Allele origin: germline.
Comment: ClinVar contains an entry for this variant (Variation ID: 1379264). Algorithms developed to predict the effect of missense changes on protein structure and function are either unavailable or do not agree on the potential impact of this missense change (SIFT: "Deleterious"; PolyPhen-2: "Possibly Damaging"; Align-GVGD: "Class C0"). In summary, the available evidence is currently insufficient to determine the role of this variant in disease. Therefore, it has been classified as a Variant of Uncertain Significance. This sequence change replaces glutamic acid, which is acidic and polar, with valine, which is neutral and non-polar, at codon 1182 of the TOP2B protein (p.Glu1182Val). This variant is present in population databases (rs376036396, gnomAD 0.03%). This variant has not been reported in the literature in individuals affected with TOP2B-related conditions.

NM_001330700.2(TOP2B):c.3560A>T (p.Glu1187Val)

Gene: TOP2B (DNA topoisomerase II beta; minus strand). Cytogenetic location: 3p24.2.
Variant type: single nucleotide variant.
Coding change: c.3560A>T on transcript NM_001330700.2 (MANE Select); coding-DNA position 3560, A replaced by T.
Protein change: p.Glu1187Val; replaces glutamic acid 1187 with valine.
Molecular consequence: missense variant.
Genome position (GRCh38, 1-based): chr3:25,615,236, T>A on the plus strand (A>T on the coding strand, the complement: TOP2B is on the minus strand). VCF-style: chr3-25615236-T-A. GRCh37 (hg19) VCF-style: chr3-25656727-T-A.
Other names: c.3545A>T, p.Glu1182Val (NM_001068.3); short protein forms E1182V, E1187V.
Identifiers: ClinVar variation 1379264 (VCV001379264.8), dbSNP rs376036396, ClinGen allele CA2288286.